The following is an entry in ClinVar:

ClinVar aggregate classification (germline): Uncertain significance (1 of 4 stars; one submission).

Submission:

Labcorp Genetics (formerly Invitae), Labcorp
Classification: Uncertain significance. Last evaluated: 2025-04-16. Review status: criteria provided, single submitter. Criteria: Invitae Variant Classification Sherloc (09022015). Collection method: clinical testing. Allele origin: germline.
Comment: This sequence change creates a premature translational stop signal (p.Gly51Alafs*80) in the C1QTNF5 gene. While this is not anticipated to result in nonsense mediated decay, it is expected to disrupt the last 193 amino acid(s) of the C1QTNF5 protein. This variant is not present in population databases (gnomAD no frequency). This variant has not been reported in the literature in individuals affected with C1QTNF5-related conditions. ClinVar contains an entry for this variant (Variation ID: 834501). Experimental studies and prediction algorithms are not available or were not evaluated, and the functional significance of this variant is currently unknown. In summary, the available evidence is currently insufficient to determine the role of this variant in disease. Therefore, it has been classified as a Variant of Uncertain Significance.

NM_001278431.2(C1QTNF5):c.152del (p.Gly51fs)

Genes: C1QTNF5 (C1q and TNF related 5; minus strand), MFRP (membrane frizzled-related protein; minus strand). Cytogenetic location: 11q23.3.
Variant type: Deletion.
Coding change: c.152del on transcript NM_001278431.2 (MANE Select); coding-DNA position 152, one base deleted (G; older notation c.152delG).
Protein change: p.Gly51fs; shifts the reading frame from glycine 51.
Molecular consequence: frameshift variant. On other transcripts: 3 prime UTR variant (1).
Genome position (GRCh38, 1-based): chr11:119,340,246, C deleted on the plus strand (G on the coding strand, the reverse complement: C1QTNF5 is on the minus strand); the first of 2 consecutive C bases (chr11:119,340,246-119,340,247); deleting either gives the same sequence. VCF-style (leftmost placement, unchanged base first): chr11-119340245-GC-G. GRCh37 (hg19) VCF-style: chr11-119210955-GC-G.
Other names: c.152del, p.Gly51fs (NM_015645.5); c.*1048del (NM_031433.4); short protein forms G51fs.
Identifiers: ClinVar variation 834501 (VCV000834501.7), dbSNP rs1950488173, ClinGen allele CA916083280.